The following is an entry in ClinVar:

NM_014956.5(CEP164):c.485G>T (p.Arg162Leu)

Gene: CEP164 (centrosomal protein 164; plus strand). Cytogenetic location: 11q23.3.
Variant type: single nucleotide variant.
Coding change: c.485G>T on transcript NM_014956.5 (MANE Select); coding-DNA position 485, G replaced by T.
Protein change: p.Arg162Leu; replaces arginine 162 with leucine.
Molecular consequence: missense variant.
Genome position (GRCh38, 1-based): chr11:117,361,926, G>T. VCF-style: chr11-117361926-G-T. GRCh37 (hg19) VCF-style: chr11-117232642-G-T.
Other names: c.485G>T, p.Arg162Leu (NM_001271933.2); c.485G>T (NM_014956.4); short protein forms R162L.
Identifiers: ClinVar variation 1417200 (VCV001417200.7), dbSNP rs139763142, ClinGen allele CA6294494.

ClinVar aggregate classification (germline): Uncertain significance. Review status: criteria provided, multiple submitters, no conflicts (2 of 4 stars). 3 submissions from 3 submitters: Uncertain significance (3). Last evaluated 2026-04-15.

Conditions:
CEP164-related disorder. Also called: CEP164-related condition.
Nephronophthisis 15 (NPHP15). Identifiers: Orphanet 3156, MedGen C3541853, MONDO:0013917, OMIM 614845.

Allele frequency attached by ClinVar (database versions not stated): gnomAD 0.00001; ESP Exome Variant Server 0.00008.
gnomAD v4.1: 23 of 1,610,618 alleles (0.0014%); highest among the groups gnomAD compares: Non-Finnish European, 0.0018%; no homozygotes.

Submissions (3):

PreventionGenetics, part of Exact Sciences
Classification: Uncertain significance for CEP164-related condition. Last evaluated: 2026-04-15. Review status: criteria provided, single submitter. Criteria: ACMG Guidelines, 2015. Collection method: clinical testing. Allele origin: germline.
Comment: The CEP164 c.485G>T variant is predicted to result in the amino acid substitution p.Arg162Leu. To our knowledge, this variant has not been reported in the literature. This variant is reported in 0.0036% of alleles in individuals of European (Non-Finnish) descent in gnomAD. At this time, the clinical significance of this variant is uncertain due to the absence of conclusive functional and genetic evidence.

Fulgent Genetics
Classification: Uncertain significance for Nephronophthisis 15. Last evaluated: 2024-04-25. Review status: criteria provided, single submitter. Criteria: ACMG Guidelines, 2015. Collection method: clinical testing. Allele origin: germline.

Labcorp Genetics (formerly Invitae), Labcorp
Classification: Uncertain significance for Nephronophthisis 15. Last evaluated: 2021-12-29. Review status: criteria provided, single submitter. Criteria: Invitae Variant Classification Sherloc (09022015). Collection method: clinical testing. Allele origin: germline.
Comment: This sequence change replaces arginine, which is basic and polar, with leucine, which is neutral and non-polar, at codon 162 of the CEP164 protein (p.Arg162Leu). This variant is present in population databases (rs139763142, gnomAD 0.004%). This variant has not been reported in the literature in individuals affected with CEP164-related conditions. Algorithms developed to predict the effect of missense changes on protein structure and function (SIFT, PolyPhen-2, Align-GVGD) all suggest that this variant is likely to be disruptive. In summary, the available evidence is currently insufficient to determine the role of this variant in disease. Therefore, it has been classified as a Variant of Uncertain Significance.